The following is an entry in ClinVar:

ClinVar aggregate classification (germline): Pathogenic (1 of 4 stars; one submission).

Conditions:
Hereditary cancer-predisposing syndrome. Also called: Neoplastic Syndromes, Hereditary; Tumor predisposition; Hereditary Cancer Syndrome; Hereditary neoplastic syndrome. Identifiers: Orphanet 140162, MedGen C0027672, MeSH D009386, MONDO:0015356.

Submission:

Ambry Genetics
Classification: Pathogenic for Hereditary cancer-predisposing syndrome. Last evaluated: 2024-08-15. Review status: criteria provided, single submitter. Criteria: Ambry Variant Classification Scheme 2023. Collection method: clinical testing. Allele origin: germline.
Comment: The c.2262delT variant, located in coding exon 13 of the PMS2 gene, results from a deletion of one nucleotide at nucleotide position 2262, causing a translational frameshift with a predicted alternate stop codon (p.I755Sfs*13). This variant is considered to be rare based on population cohorts in the Genome Aggregation Database (gnomAD). This alteration is expected to result in loss of function by premature protein truncation or nonsense-mediated mRNA decay. As such, this alteration is interpreted as a disease-causing mutation.

NM_000535.7(PMS2):c.2262del (p.Ile755fs)

Gene: PMS2 (PMS1 homolog 2, mismatch repair system component; minus strand). Cytogenetic location: 7p22.1.
Variant type: Deletion.
Coding change: c.2262del on transcript NM_000535.7 (MANE Select); coding-DNA position 2262, one base deleted (T; older notation c.2262delT).
Protein change: p.Ile755fs; shifts the reading frame from isoleucine 755.
Molecular consequence: frameshift variant. On other transcripts: non-coding transcript variant (1), intron variant (2).
Genome position (GRCh38, 1-based): chr7:5,978,609, A deleted on the plus strand (T on the coding strand, the reverse complement: PMS2 is on the minus strand); the first of 2 consecutive A bases (chr7:5,978,609-5,978,610); deleting either gives the same sequence. VCF-style (leftmost placement, unchanged base first): chr7-5978608-TA-T. GRCh37 (hg19) VCF-style: chr7-6018239-TA-T.
Other names: c.1857del, p.Ile620fs (NM_001406895.1, NM_001406896.1, NM_001406897.1 and 14 more transcripts); c.1788del, p.Ile597fs (NM_001406901.1, NM_001406902.1); c.1776del, p.Ile593fs (NM_001406903.1); c.1797del, p.Ile600fs (NM_001406900.1); c.1749del, p.Ile584fs (NM_001406904.1, NM_001406905.1); c.2106del, p.Ile703fs (NM_001322006.2, NM_001406870.1); c.1944del, p.Ile649fs (NM_001322007.2, NM_001322008.2, NM_001406876.1 and 1 more transcripts); c.1701del, p.Ile568fs (NM_001322010.2, NM_001406906.1, NM_001406907.1); and 17 more; short protein forms I354fs, I498fs, I584fs, I593fs, I620fs, I643fs, I652fs, I699fs.
Identifiers: ClinVar variation 3421481 (VCV003421481.1).